The following is an entry in ClinVar:

ClinVar aggregate classification (germline): Uncertain significance (1 of 4 stars; one submission).

Conditions:
Left ventricular noncompaction 1 (LVNC1). Also called: LEFT VENTRICULAR NONCOMPACTION 1 WITH OR WITHOUT CONGENITAL HEART DEFECTS. Identifiers: Orphanet 54260, MedGen C1858725, MONDO:0011403, OMIM 604169.

Submission:

Labcorp Genetics (formerly Invitae), Labcorp
Classification: Uncertain significance for Left ventricular noncompaction 1. Last evaluated: 2025-04-10. Review status: criteria provided, single submitter. Criteria: Invitae Variant Classification Sherloc (09022015). Collection method: clinical testing. Allele origin: germline.
Comment: This sequence change replaces glycine, which is neutral and non-polar, with alanine, which is neutral and non-polar, at codon 391 of the DTNA protein (p.Gly391Ala). This variant also falls at the last nucleotide of exon 11, which is part of the consensus splice site for this exon. This variant is not present in population databases (gnomAD no frequency). This variant has not been reported in the literature in individuals affected with DTNA-related conditions. An algorithm developed to predict the effect of missense changes on protein structure and function (PolyPhen-2) suggests that this variant is likely to be tolerated. Variants that disrupt the consensus splice site are a relatively common cause of aberrant splicing (PMID: 17576681, 9536098). Algorithms developed to predict the effect of sequence changes on RNA splicing suggest that this variant may disrupt the consensus splice site. In summary, the available evidence is currently insufficient to determine the role of this variant in disease. Therefore, it has been classified as a Variant of Uncertain Significance.

Literature cited by the submitters: PubMed 17576681; PubMed 9536098.

NM_001386795.1(DTNA):c.1253G>C (p.Gly418Ala)

Gene: DTNA (dystrobrevin alpha; plus strand). Cytogenetic location: 18q12.1.
Variant type: single nucleotide variant.
Coding change: c.1253G>C on transcript NM_001386795.1 (MANE Select); coding-DNA position 1253, G replaced by C.
Protein change: p.Gly418Ala; replaces glycine 418 with alanine.
Molecular consequence: missense variant. On other transcripts: intron variant (32).
Genome position (GRCh38, 1-based): chr18:34,838,171, G>C. VCF-style: chr18-34838171-G-C. GRCh37 (hg19) VCF-style: chr18-32418135-G-C.
Other names: c.1086-10125G>C (NM_001386772.1, NM_001386766.1, NM_001386767.1 and 13 more transcripts); c.1175+8682G>C (NM_001386758.1, NM_001386759.1, NM_001386754.1 and 5 more transcripts); c.336-10125G>C (NM_001198943.1); c.221+8682G>C (NM_001198944.1); c.132-10125G>C (NM_032981.5); c.299G>C, p.Gly100Ala (NM_001198942.1); c.1253G>C, p.Gly418Ala (NM_001386788.1); c.1172G>C, p.Gly391Ala (NM_001390.5, NM_001391.5); and 4 more; short protein forms G100A, G388A, G391A, G418A, G70A.
Identifiers: ClinVar variation 4798580 (VCV004798580.1).